The following is an entry in ClinVar:

ClinVar aggregate classification (germline): Pathogenic. Review status: criteria provided, multiple submitters, no conflicts (2 of 4 stars). 2 submissions from 2 submitters: Pathogenic (2). Last evaluated 2025-07-07.

Conditions:
Hereditary breast ovarian cancer syndrome. Also called: Hereditary breast and ovarian cancer syndrome; BRCA1- and BRCA2-Associated Hereditary Breast and Ovarian Cancer; Breast and ovarian cancer; Hereditary breast and ovarian cancer; Hereditary breast and ovarian cancer syndrome (HBOC); Hereditary breast and/or ovarian cancer syndrome. Identifiers: Orphanet 145, MedGen C0677776, MeSH D061325, MONDO:0003582. Disease mechanism: loss of function.

Submissions (2):

Labcorp Genetics (formerly Invitae), Labcorp
Classification: Pathogenic for Hereditary breast ovarian cancer syndrome. Last evaluated: 2025-07-07. Review status: criteria provided, single submitter. Criteria: Invitae Variant Classification Sherloc (09022015). Collection method: clinical testing. Allele origin: germline.
Comment: This sequence change creates a premature translational stop signal (p.Arg3007*) in the BRCA2 gene. It is expected to result in an absent or disrupted protein product. Loss-of-function variants in BRCA2 are known to be pathogenic (PMID: 20104584). This variant is not present in population databases (gnomAD no frequency). This premature translational stop signal has been observed in individual(s) with ovarian cancer (PMID: 31372034). ClinVar contains an entry for this variant (Variation ID: 3336068). For these reasons, this variant has been classified as Pathogenic.

Women's Health and Genetics/Laboratory Corporation of America, LabCorp
Classification: Pathogenic for Hereditary breast ovarian cancer syndrome. Last evaluated: 2024-05-09. Review status: criteria provided, single submitter. Criteria: LabCorp Variant Classification Summary - May 2015. Collection method: clinical testing. Allele origin: germline.
Comment: Variant summary: BRCA2 c.9019A>T (p.Arg3007X) results in a premature termination codon, predicted to cause a truncation of the encoded protein or absence of the protein due to nonsense mediated decay, which are commonly known mechanisms for disease. The variant was absent in 250686 control chromosomes. To our knowledge, no occurrence of c.9019A>T in individuals affected with Hereditary Breast And Ovarian Cancer Syndrome and no experimental evidence demonstrating its impact on protein function have been reported. No submitters have cited clinical-significance assessments for this variant to ClinVar. Based on the evidence outlined above, the variant was classified as pathogenic.

Literature cited by the submitters: PubMed 20104584 (cited by Labcorp Genetics (formerly Invitae), Labcorp); PubMed 31372034 (cited by Labcorp Genetics (formerly Invitae), Labcorp).

NM_000059.4(BRCA2):c.9019A>T (p.Arg3007Ter)

Gene: BRCA2 (BRCA2 DNA repair associated; plus strand). Cytogenetic location: 13q13.1.
Variant type: single nucleotide variant.
Coding change: c.9019A>T on transcript NM_000059.4 (MANE Select); coding-DNA position 9019, A replaced by T.
Protein change: p.Arg3007Ter; replaces arginine 3007 with a stop codon.
Molecular consequence: nonsense.
Genome position (GRCh38, 1-based): chr13:32,379,815, A>T. VCF-style: chr13-32379815-A-T. GRCh37 (hg19) VCF-style: chr13-32953952-A-T.
Other names: short protein forms R3007*.
Identifiers: ClinVar variation 3336068 (VCV003336068.3).